The following is an entry in ClinVar:

ClinVar aggregate classification (germline): Pathogenic (1 of 4 stars; one submission).

Submission:

GeneDx
Classification: Pathogenic. Last evaluated: 2025-02-07. Review status: criteria provided, single submitter. Criteria: GeneDx Variant Classification Process June 2021. Collection method: clinical testing. Allele origin: germline. Affected: yes.
Comment: Frameshift variant predicted to result in protein truncation or nonsense mediated decay in a gene for which loss-of-function is a known mechanism of disease; Not observed at significant frequency in large population cohorts (gnomAD); Has not been previously published as pathogenic or benign to our knowledge

NM_001009944.3(PKD1):c.474_475insA (p.Gly159fs)

Gene: PKD1 (polycystin 1, transient receptor potential channel interacting; minus strand). Cytogenetic location: 16p13.3.
Variant type: Insertion.
Coding change: c.474_475insA on transcript NM_001009944.3 (MANE Select); coding-DNA positions 474 to 475, A inserted.
Protein change: p.Gly159fs; shifts the reading frame from glycine 159.
Molecular consequence: frameshift variant.
Genome position: GRCh38 VCF-style: chr16-2118730-C-CT. GRCh37 (hg19) VCF-style: chr16-2168731-C-CT.
Other names: c.474_475insA, p.Gly159fs (NM_000296.4); short protein forms G159fs.
Identifiers: ClinVar variation 4074371 (VCV004074371.1).